The following is an entry in ClinVar:

ClinVar aggregate classification (germline): Pathogenic (1 of 4 stars; one submission).

Conditions:
Retinoblastoma (RB1). Also called: RETINOBLASTOMA, SOMATIC. Identifiers: Orphanet 790, MedGen C0035335, MeSH D012175, MONDO:0008380, OMIM 180200, HP:0009919. Disease mechanism: loss of function. Inheritance: Both sporadic and heritable forms are tested..

Submission:

Genetic Diagnostic Laboratory, University of Pennsylvania School of Medicine
Classification: Pathogenic for Retinoblastoma. Last evaluated: 2024-05-20. Review status: criteria provided, single submitter. Criteria: ACMG Guidelines, 2015. Collection method: clinical testing. Allele origin: germline. Affected: yes. Observed: 1 variant allele.
Comment: Case and Pedigree Information: BILATERAL CASES:1, UNILATERAL CASES:0, TOTAL CASES:1, PEDIGREES:1. ACMG Codes Applied:PVS1, PM2

NM_000321.3(RB1):c.109_112delinsCCAGA (p.Ser37fs)

Gene: RB1 (RB transcriptional corepressor 1; plus strand). Cytogenetic location: 13q14.2.
Variant type: Indel.
Coding change: c.109_112delinsCCAGA on transcript NM_000321.3 (MANE Select); coding-DNA positions 109 to 112, AGCG replaced by CCAGA.
Protein change: p.Ser37fs; shifts the reading frame from serine 37.
Molecular consequence: frameshift variant.
Genome position (GRCh38, 1-based): chr13:48,304,021-48,304,024, AGCG replaced by CCAGA. VCF-style: chr13-48304021-AGCG-CCAGA. GRCh37 (hg19) VCF-style: chr13-48878157-AGCG-CCAGA.
Other names: c.109_112delinsCCAGA, p.Ser37fs (NM_001407165.1, NM_001407166.1, NM_001407167.1); short protein forms S37fs.
Identifiers: ClinVar variation 3236922 (VCV003236922.1), dbSNP rs2542094349.
Genomic context (GRCh38, chr13:48,304,021, plus strand): 5'-GCCGCGGAACCCCCGGCACCGCCGCCGCCGCCCCCTCCTGAGGAGGACCCAGAGCAGGAC[AGCG>CCAGA]GCCCGGAGGACCTGCCTCTCGTCAGGTGAGCGAGCAGAGCCGCCGTCGCCTCACGCGGGA-3'